The following is an entry in ClinVar:

ClinVar aggregate classification (germline): Conflicting classifications of pathogenicity. Review status: criteria provided, conflicting classifications (1 of 4 stars). 9 submissions from 9 submitters: Uncertain significance (8); Likely benign (1). Last evaluated 2026-06-26.

Conditions:
Arrhythmogenic cardiomyopathy with wooly hair and keratoderma. Also called: Dilated cardiomyopathy with woolly hair and keratoderma; Arrhythmogenic cardiomyopathy with woolly hair and keratoderma; PALMOPLANTAR KERATODERMA WITH LEFT VENTRICULAR CARDIOMYOPATHY AND WOOLLY HAIR; Carvajal syndrome. Identifiers: Orphanet 65282, MedGen C1854063, MONDO:0011581, OMIM 605676.
Keratosis palmoplantaris striata 2. Also called: Keratosis palmoplantaris striata II; KERATODERMA, PALMOPLANTAR, STRIATE FORM II; STRIATE PALMOPLANTAR KERATODERMA II. Identifiers: MedGen C1852127, MONDO:0013034, OMIM 612908.
Woolly hair-skin fragility syndrome (WHSF). Identifiers: Orphanet 293165, MedGen C1843292, MONDO:0957307, OMIM 620415.
Lethal acantholytic epidermolysis bullosa (EBLA). Identifiers: Orphanet 158687, MedGen C1864826, MONDO:0012323, OMIM 609638.
Arrhythmogenic right ventricular dysplasia 8 (ARVD8). Also called: Arrhythmogenic Right Ventricular Dysplasia/Cardiomyopathy 8; ARRHYTHMOGENIC RIGHT VENTRICULAR DYSPLASIA, FAMILIAL, 8; ARRHYTHMOGENIC RIGHT VENTRICULAR CARDIOMYOPATHY 8. Identifiers: MedGen C1843896, MONDO:0011831, OMIM 607450.
Cardiomyopathy, dilated, with wooly hair, keratoderma, and tooth agenesis. Also called: Cardiomyopathy, dilated, with woolly hair, keratoderma, and tooth agenesis; Erythrokeratodermia-cardiomyopathy syndrome. Identifiers: Orphanet 476096, Orphanet 65282, MedGen C4014393, MONDO:0014355, OMIM 615821.
DSP-related disorder. Also called: DSP-related condition; DSP-related disorders.
Cardiovascular phenotype. Identifiers: MedGen CN230736.
Cardiomyopathy (CMYO). Also called: Cardiomyopathies. Identifiers: Orphanet 167848, MedGen C0878544, MONDO:0004994, HP:0001638. Inheritance: Various modes of inheritance.

Allele frequency attached by ClinVar (database versions not stated): gnomAD 0.00001; gnomAD exomes 0.00001; TOPMed 0.00001; ExAC 0.00002.
gnomAD v4.1: 20 of 1,614,088 alleles (0.0012%); highest among the groups gnomAD compares: South Asian, 0.0066%; no homozygotes.

Submissions (9):

PreventionGenetics, part of Exact Sciences
Classification: Uncertain significance for DSP-related condition. Last evaluated: 2026-06-26. Review status: criteria provided, single submitter. Criteria: ACMG Guidelines, 2015. Collection method: clinical testing. Allele origin: germline.
Comment: The DSP c.385C>T variant is predicted to result in the amino acid substitution p.Arg129Trp. To our knowledge, this variant has not been reported in the literature. This variant is reported in 0.0065% of alleles in individuals of South Asian descent in gnomAD. At this time, the clinical significance of this variant is uncertain due to the absence of conclusive functional and genetic evidence.

Ambry Genetics
Classification: Uncertain significance for Cardiovascular phenotype. Last evaluated: 2025-10-27. Review status: criteria provided, single submitter. Criteria: Ambry Variant Classification Scheme 2023. Collection method: clinical testing. Allele origin: germline.
Comment: The p.R129W variant (also known as c.385C>T), located in coding exon 3 of the DSP gene, results from a C to T substitution at nucleotide position 385. The arginine at codon 129 is replaced by tryptophan, an amino acid with dissimilar properties. This amino acid position is highly conserved in available vertebrate species. In addition, the in silico prediction for this alteration is inconclusive. Since supporting evidence is limited at this time, the clinical significance of this alteration remains unclear.

Labcorp Genetics (formerly Invitae), Labcorp
Classification: Likely benign for Arrhythmogenic cardiomyopathy with wooly hair and keratoderma; Arrhythmogenic right ventricular dysplasia 8. Last evaluated: 2025-09-01. Review status: criteria provided, single submitter. Criteria: Invitae Variant Classification Sherloc (09022015). Collection method: clinical testing. Allele origin: germline.

Color Diagnostics, LLC DBA Color Health
Classification: Uncertain significance for Cardiomyopathy. Last evaluated: 2024-03-07. Review status: criteria provided, single submitter. Criteria: ACMG Guidelines, 2015. Collection method: clinical testing. Allele origin: germline.
Comment: This missense variant replaces arginine with tryptophan at codon 129 of the DSP protein. Computational prediction is inconclusive regarding the impact of this variant on protein structure and function (internally defined REVEL score threshold 0.5 < inconclusive < 0.7, PMID: 27666373). To our knowledge, functional studies have not been reported for this variant. This variant has not been reported in individuals affected with DSP-related disorders in the literature. This variant has been identified in 2/251394 chromosomes in the general population by the Genome Aggregation Database (gnomAD). The available evidence is insufficient to determine the role of this variant in disease conclusively. Therefore, this variant is classified as a Variant of Uncertain Significance.

All of Us Research Program, National Institutes of Health
Classification: Uncertain significance for Arrhythmogenic cardiomyopathy with wooly hair and keratoderma. Last evaluated: 2024-01-11. Review status: criteria provided, single submitter. Criteria: ACMG Guidelines, 2015. Collection method: clinical testing. Allele origin: germline. Inheritance: Autosomal dominant inheritance. Observed: 5 variant alleles, 5 heterozygotes.
Comment: This missense variant replaces arginine with tryptophan at codon 129 of the DSP protein. Computational prediction is inconclusive regarding the impact of this variant on protein structure and function (internally defined REVEL score threshold 0.5 < inconclusive < 0.7, PMID: 27666373). To our knowledge, functional studies have not been reported for this variant. This variant has not been reported in individuals affected with DSP-related disorders in the literature. This variant has been identified in 2/251394 chromosomes in the general population by the Genome Aggregation Database (gnomAD). The available evidence is insufficient to determine the role of this variant in disease conclusively. Therefore, this variant is classified as a Variant of Uncertain Significance.

This study involves interpretation of variants in research participants for the purpose of population health screening. Participant phenotype was not available at the time of variant classification. Additional details can be found in publication PMID: 35346344, PMCID: PMC8962531

GeneDx
Classification: Uncertain significance. Last evaluated: 2023-02-14. Review status: criteria provided, single submitter. Criteria: GeneDx Variant Classification Process June 2021. Collection method: clinical testing. Allele origin: germline. Affected: yes.
Comment: Has not been previously published as pathogenic or benign to our knowledge; Not observed at significant frequency in large population cohorts (gnomAD); In silico analysis supports that this missense variant has a deleterious effect on protein structure/function

Fulgent Genetics
Classification: Uncertain significance for Arrhythmogenic cardiomyopathy with wooly hair and keratoderma; Arrhythmogenic right ventricular dysplasia 8; Lethal acantholytic epidermolysis bullosa; Keratosis palmoplantaris striata 2; Cardiomyopathy, dilated, with wooly hair, keratoderma, and tooth agenesis. Last evaluated: 2021-10-01. Review status: criteria provided, single submitter. Criteria: ACMG Guidelines, 2015. Collection method: clinical testing. Allele origin: unknown.

Women's Health and Genetics/Laboratory Corporation of America, LabCorp
Classification: Uncertain significance. Last evaluated: 2019-10-29. Review status: criteria provided, single submitter. Criteria: LabCorp Variant Classification Summary - May 2015. Collection method: clinical testing. Allele origin: germline.
Comment: Variant summary: DSP c.385C>T (p.Arg129Trp) results in a non-conservative amino acid change in the encoded protein sequence. Four of five in-silico tools predict a damaging effect of the variant on protein function. The variant allele was found at a frequency of 8e-06 in 251394 control chromosomes. The available data on variant occurrences in the general population are insufficient to allow any conclusion about variant significance. To our knowledge, no occurrence of c.385C>T in individuals affected with Cardiomyopathy and no experimental evidence demonstrating its impact on protein function have been reported. One clinical diagnostic laboratory has submitted clinical-significance assessments for this variant to ClinVar after 2014 and classified the variant as uncertain significance. Based on the evidence outlined above, the variant was classified as uncertain significance.

Revvity Omics, Revvity
Classification: Uncertain significance. Last evaluated: 2019-03-18. Review status: criteria provided, single submitter. Criteria: ACMG Guidelines, 2015. Collection method: clinical testing. Allele origin: germline.

NM_004415.4(DSP):c.385C>T (p.Arg129Trp)

Gene: DSP (desmoplakin; plus strand). Cytogenetic location: 6p24.3.
Variant type: single nucleotide variant.
Coding change: c.385C>T on transcript NM_004415.4 (MANE Select); coding-DNA position 385, C replaced by T.
Protein change: p.Arg129Trp; replaces arginine 129 with tryptophan.
Molecular consequence: missense variant.
Genome position (GRCh38, 1-based): chr6:7,558,227, C>T. VCF-style: chr6-7558227-C-T. GRCh37 (hg19) VCF-style: chr6-7558460-C-T.
Other names: c.385C>T, p.Arg129Trp (NM_001008844.3, NM_001319034.2); c.385C>T (LRG_423t1); short protein forms R129W.
Identifiers: ClinVar variation 576875 (VCV000576875.25), dbSNP rs777763456, ClinGen allele CA039256.